The following is an entry in ClinVar:

NM_024548.4(CEP97):c.1349A>T (p.Lys450Met)

Gene: CEP97 (centrosomal protein 97; plus strand). Cytogenetic location: 3q12.3.
Variant type: single nucleotide variant.
Coding change: c.1349A>T on transcript NM_024548.4 (MANE Select); coding-DNA position 1349, A replaced by T.
Protein change: p.Lys450Met; replaces lysine 450 with methionine.
Molecular consequence: missense variant.
Genome position (GRCh38, 1-based): chr3:101,757,955, A>T. VCF-style: chr3-101757955-A-T. GRCh37 (hg19) VCF-style: chr3-101476799-A-T.
Other names: c.1172A>T, p.Lys391Met (NM_001303401.2); c.1247A>T, p.Lys416Met (NM_001410784.1); c.1070A>T, p.Lys357Met (NM_001410785.1); short protein forms K391M, K450M, K357M, K416M.
Identifiers: ClinVar variation 2900788 (VCV002900788.3), dbSNP rs771592287, ClinGen allele CA2522110.

ClinVar aggregate classification (germline): Uncertain significance (1 of 4 stars; one submission).

Allele frequency attached by ClinVar (database versions not stated): ExAC 0.00001.
gnomAD v4.1: 1 of 1,614,232 alleles (0.000062%); highest among the groups gnomAD compares: Non-Finnish European, 0.000085%; no homozygotes.

Submission:

Labcorp Genetics (formerly Invitae), Labcorp
Classification: Uncertain significance. Last evaluated: 2023-01-13. Review status: criteria provided, single submitter. Criteria: Invitae Variant Classification Sherloc (09022015). Collection method: clinical testing. Allele origin: germline.
Comment: This sequence change replaces lysine, which is basic and polar, with methionine, which is neutral and non-polar, at codon 450 of the CEP97 protein (p.Lys450Met). This variant is present in population databases (rs771592287, gnomAD 0.0009%). In summary, the available evidence is currently insufficient to determine the role of this variant in disease. Therefore, it has been classified as a Variant of Uncertain Significance. Advanced modeling of protein sequence and biophysical properties (such as structural, functional, and spatial information, amino acid conservation, physicochemical variation, residue mobility, and thermodynamic stability) performed at Invitae indicates that this missense variant is not expected to disrupt CEP97 protein function. This variant has not been reported in the literature in individuals affected with CEP97-related conditions.